The following is an entry in ClinVar:

NM_005739.4(RASGRP1):c.757G>A (p.Gly253Ser)

Gene: RASGRP1 (RAS guanyl releasing protein 1; minus strand). Cytogenetic location: 15q14.
Variant type: single nucleotide variant.
Coding change: c.757G>A on transcript NM_005739.4 (MANE Select); coding-DNA position 757, G replaced by A.
Protein change: p.Gly253Ser; replaces glycine 253 with serine.
Molecular consequence: missense variant.
Genome position (GRCh38, 1-based): chr15:38,512,875, C>T on the plus strand (G>A on the coding strand, the complement: RASGRP1 is on the minus strand). VCF-style: chr15-38512875-C-T. GRCh37 (hg19) VCF-style: chr15-38805076-C-T.
Other names: c.757G>A, p.Gly253Ser (NM_001128602.2, NM_001306086.2); short protein forms G253S.
Identifiers: ClinVar variation 2095599 (VCV002095599.5), dbSNP rs770594654, ClinGen allele CA7471047.

ClinVar aggregate classification (germline): Uncertain significance. Review status: criteria provided, multiple submitters, no conflicts (2 of 4 stars). 2 submissions from 2 submitters: Uncertain significance (2). Last evaluated 2024-10-23.

Allele frequency attached by ClinVar (database versions not stated): TOPMed below 0.00001; ExAC 0.00001; gnomAD exomes 0.00001.
gnomAD v4.1: 3 of 1,613,110 alleles (0.00019%); highest among the groups gnomAD compares: South Asian, 0.0011%; no homozygotes.

Submissions (2):

Labcorp Genetics (formerly Invitae), Labcorp
Classification: Uncertain significance. Last evaluated: 2024-10-23. Review status: criteria provided, single submitter. Criteria: Invitae Variant Classification Sherloc (09022015). Collection method: clinical testing. Allele origin: germline.
Comment: This sequence change replaces glycine, which is neutral and non-polar, with serine, which is neutral and polar, at codon 253 of the RASGRP1 protein (p.Gly253Ser). This variant is present in population databases (rs770594654, gnomAD 0.003%). This variant has not been reported in the literature in individuals affected with RASGRP1-related conditions. ClinVar contains an entry for this variant (Variation ID: 2095599). Invitae Evidence Modeling of protein sequence and biophysical properties (such as structural, functional, and spatial information, amino acid conservation, physicochemical variation, residue mobility, and thermodynamic stability) indicates that this missense variant is not expected to disrupt RASGRP1 protein function with a negative predictive value of 80%. In summary, the available evidence is currently insufficient to determine the role of this variant in disease. Therefore, it has been classified as a Variant of Uncertain Significance.

Blueprint Genetics
Classification: Uncertain significance. Last evaluated: 2022-02-08. Review status: criteria provided, single submitter. Criteria: ACMG Guidelines, 2015. Collection method: clinical testing. Allele origin: germline.